The following is an entry in ClinVar:

NM_005228.5(EGFR):c.755G>T (p.Arg252Leu)

Gene: EGFR (epidermal growth factor receptor; plus strand). Cytogenetic location: 7p11.2.
Variant type: single nucleotide variant.
Coding change: c.755G>T on transcript NM_005228.5 (MANE Select); coding-DNA position 755, G replaced by T.
Protein change: p.Arg252Leu; replaces arginine 252 with leucine.
Molecular consequence: missense variant. On other transcripts: intron variant (1).
Genome position (GRCh38, 1-based): chr7:55,154,018, G>T. VCF-style: chr7-55154018-G-T. GRCh37 (hg19) VCF-style: chr7-55221711-G-T.
Other names: c.755G>T, p.Arg252Leu (NM_001346898.2, NM_201282.2, NM_201283.2 and 1 more transcripts); c.620G>T, p.Arg207Leu (NM_001346899.2, NM_001346897.2); c.596G>T, p.Arg199Leu (NM_001346900.2); c.89-1812G>T (NM_001346941.2); short protein forms R199L, R207L, R252L.
Identifiers: ClinVar variation 4870220 (VCV004870220.1).

ClinVar aggregate classification (germline): Uncertain significance (1 of 4 stars; one submission).

Conditions:
Hereditary cancer-predisposing syndrome. Also called: Neoplastic Syndromes, Hereditary; Tumor predisposition; Hereditary Cancer Syndrome; Hereditary neoplastic syndrome. Identifiers: Orphanet 140162, MedGen C0027672, MeSH D009386, MONDO:0015356.

gnomAD v4.1: 2 of 1,614,142 alleles (0.00012%); highest among the groups gnomAD compares: Non-Finnish European, 0.00017%; no homozygotes.

Submission:

Ambry Genetics
Classification: Uncertain significance for Hereditary cancer-predisposing syndrome. Last evaluated: 2026-03-21. Review status: criteria provided, single submitter. Criteria: Ambry Variant Classification Scheme 2023. Collection method: clinical testing. Allele origin: germline.
Comment: The p.R252L variant (also known as c.755G>T), located in coding exon 7 of the EGFR gene, results from a G to T substitution at nucleotide position 755. The arginine at codon 252 is replaced by leucine, an amino acid with dissimilar properties. This amino acid position is conserved. In addition, the in silico prediction for this alteration is inconclusive. Based on the available evidence, the clinical significance of this variant remains unclear.